The following is an entry in ClinVar:

NM_172240.3(POC1B):c.601A>G (p.Ile201Val)

Genes: POC1B (POC1 centriolar protein B; minus strand), POC1B-DUSP6 (POC1B-DUSP6 readthrough; minus strand). Cytogenetic location: 12q21.33.
Variant type: single nucleotide variant.
Coding change: c.601A>G on transcript NM_172240.3 (MANE Select); coding-DNA position 601, A replaced by G.
Protein change: p.Ile201Val; replaces isoleucine 201 with valine.
Molecular consequence: missense variant. On other transcripts: non-coding transcript variant (2).
Genome position (GRCh38, 1-based): chr12:89,471,689, T>C on the plus strand (A>G on the coding strand, the complement: POC1B is on the minus strand). VCF-style: chr12-89471689-T-C. GRCh37 (hg19) VCF-style: chr12-89865466-T-C.
Other names: c.475A>G, p.Ile159Val (NM_001199777.2); short protein forms I201V, I159V.
Identifiers: ClinVar variation 1498380 (VCV001498380.8), dbSNP rs2120850339, ClinGen allele CA385997545.

ClinVar aggregate classification (germline): Uncertain significance (1 of 4 stars; one submission).

Submission:

Labcorp Genetics (formerly Invitae), Labcorp
Classification: Uncertain significance. Last evaluated: 2020-12-28. Review status: criteria provided, single submitter. Criteria: Invitae Variant Classification Sherloc (09022015). Collection method: clinical testing. Allele origin: germline.
Comment: In summary, the available evidence is currently insufficient to determine the role of this variant in disease. Therefore, it has been classified as a Variant of Uncertain Significance. Algorithms developed to predict the effect of missense changes on protein structure and function (SIFT, PolyPhen-2, Align-GVGD) all suggest that this variant is likely to be tolerated, but these predictions have not been confirmed by published functional studies and their clinical significance is uncertain. This variant has not been reported in the literature in individuals with POC1B-related conditions. This variant is not present in population databases (ExAC no frequency). This sequence change replaces isoleucine with valine at codon 201 of the POC1B protein (p.Ile201Val). The isoleucine residue is highly conserved and there is a small physicochemical difference between isoleucine and valine.